The following is an entry in ClinVar:

NM_001042492.3(NF1):c.1708_1721del (p.Phe570fs)

Gene: NF1 (neurofibromin 1; plus strand). Cytogenetic location: 17q11.2.
Variant type: Deletion.
Coding change: c.1708_1721del on transcript NM_001042492.3 (MANE Select); coding-DNA positions 1708 to 1721, 14 bases deleted (TTTTGGGAGATTAG).
Protein change: p.Phe570fs; shifts the reading frame from phenylalanine 570.
Molecular consequence: frameshift variant.
Genome position (GRCh38, 1-based): chr17:31,221,916-31,221,929, TTTTGGGAGATTAG deleted. VCF-style (leftmost placement, unchanged base first): chr17-31221915-ATTTTGGGAGATTAG-A. GRCh37 (hg19) VCF-style: chr17-29548933-ATTTTGGGAGATTAG-A.
Other names: c.1708_1721delTTTTGGGAGATTAG, p.Phe570Leufs (NM_000267.4); c.1708_1721del, p.Phe570fs (NM_001128147.3); short protein forms F570fs.
Identifiers: ClinVar variation 3257430 (VCV003257430.17).

ClinVar aggregate classification (germline): Pathogenic (1 of 4 stars; one submission).

Submission:

CeGaT Center for Human Genetics Tuebingen
Classification: Pathogenic. Last evaluated: 2024-07-01. Review status: criteria provided, single submitter. Criteria: CeGaT Center For Human Genetics Tuebingen Variant Classification Criteria Version 2. Collection method: clinical testing. Allele origin: germline. Affected: yes. Observed: 1 variant allele.
Comment: NF1: PVS1, PS2, PM2